The following is an entry in ClinVar:

NM_001009944.3(PKD1):c.8192_8193del (p.Val2731fs)

Gene: PKD1 (polycystin 1, transient receptor potential channel interacting; minus strand). Cytogenetic location: 16p13.3.
Variant type: Deletion.
Coding change: c.8192_8193del on transcript NM_001009944.3 (MANE Select); coding-DNA positions 8192 to 8193, 2 bases deleted (TG; older notation c.8192_8193delTG).
Protein change: p.Val2731fs; shifts the reading frame from valine 2731.
Molecular consequence: frameshift variant.
Genome position (GRCh38, 1-based): chr16:2,103,864-2,103,865, CA deleted on the plus strand (TG on the coding strand, the reverse complement: PKD1 is on the minus strand); deleting any 2 consecutive bases within chr16:2,103,864-2,103,866 gives the same sequence; the c. name uses the placement nearest the transcript's 3' end. VCF-style (leftmost placement, unchanged base first): chr16-2103863-GCA-G. GRCh37 (hg19) VCF-style: chr16-2153864-GCA-G.
Other names: c.8192_8193del, p.Val2731fs (NM_000296.4); short protein forms V2731fs.
Identifiers: ClinVar variation 3382482 (VCV003382482.2).

ClinVar aggregate classification (germline): Pathogenic (1 of 4 stars; one submission).

Conditions:
Polycystic kidney disease, adult type (PKD1). Also called: POLYCYSTIC KIDNEY DISEASE, ADULT, TYPE I; Polycystic Kidney Disease 1, Autosomal Dominant; Polycystic kidney disease 1; Polycystic kidney disease 1, severe; Polycystic Kidney, Autosomal Dominant; POLYCYSTIC KIDNEY DISEASE 1 WITH OR WITHOUT POLYCYSTIC LIVER DISEASE. Identifiers: MedGen C3149841, MONDO:0008263, OMIM 173900.

Submission:

Juno Genomics, Hangzhou Juno Genomics, Inc
Classification: Pathogenic for Polycystic kidney disease, adult type. Review status: criteria provided, single submitter. Criteria: ACMG Guidelines, 2015. Collection method: clinical testing. Allele origin: germline. Affected: yes.
Comment: Absent from controls (or at extremely low frequency if recessive) in Genome Aggregation Database, Exome Sequencing Project, 1000 Genomes Project, or Exome Aggregation Consortium.;Null variant in a gene where loss of function (LOF) is a known mechanism of disease.;Patient's phenotype or family history is highly specific for a disease with a single genetic etiology.